The following is an entry in ClinVar:

NM_172107.4(KCNQ2):c.1070A>G (p.His357Arg)

Gene: KCNQ2 (potassium voltage-gated channel subfamily Q member 2; minus strand). Cytogenetic location: 20q13.33.
Variant type: single nucleotide variant.
Coding change: c.1070A>G on transcript NM_172107.4 (MANE Select); coding-DNA position 1070, A replaced by G.
Protein change: p.His357Arg; replaces histidine 357 with arginine.
Molecular consequence: missense variant.
Genome position (GRCh38, 1-based): chr20:63,433,857, T>C on the plus strand (A>G on the coding strand, the complement: KCNQ2 is on the minus strand). VCF-style: chr20-63433857-T-C. GRCh37 (hg19) VCF-style: chr20-62065210-T-C.
Other names: c.1070A>G, p.His357Arg (NM_001382235.1, NM_004518.6, NM_172106.3 and 2 more transcripts); short protein forms H357R.
Identifiers: ClinVar variation 1495245 (VCV001495245.9), dbSNP rs926865634, ClinGen allele CA317452199.
Genomic context (GRCh38, chr20:63,433,857, plus strand): 5'-CGGCGGCGGTACCTGTACATGGGCACGGTGACCGTTCGCTCGTAGTACTGCCACGTGGAG[T>C]GCAGGTCTGTGCGCGAGAGGTTGGTGGCGTAGAATCTCCAGGCCGACTGCGGAGGGAAAG-3'
Protein context (NP_742105.1, residues 347-367): YATNLSRTDL[His357Arg]STWQYYERTV

ClinVar aggregate classification (germline): Uncertain significance (1 of 4 stars; one submission).

Conditions:
Early-infantile DEE. Also called: Ohtahara syndrome; Early infantile epileptic encephalopathy; Early infantile epileptic encephalopathy with suppression bursts. Identifiers: Orphanet 1934, MedGen C0393706, MONDO:0800491.

Allele frequency attached by ClinVar (database versions not stated): TOPMed below 0.00001; gnomAD 0.00001.
gnomAD v4.1: 1 of 1,613,656 alleles (0.000062%); highest among the groups gnomAD compares: Non-Finnish European, 0.000085%; no homozygotes.

Submission:

Labcorp Genetics (formerly Invitae), Labcorp
Classification: Uncertain significance for Early-infantile DEE. Last evaluated: 2022-11-30. Review status: criteria provided, single submitter. Criteria: Invitae Variant Classification Sherloc (09022015). Collection method: clinical testing. Allele origin: germline.
Comment: This variant is not present in population databases (gnomAD no frequency). In summary, the available evidence is currently insufficient to determine the role of this variant in disease. Therefore, it has been classified as a Variant of Uncertain Significance. Advanced modeling of protein sequence and biophysical properties (such as structural, functional, and spatial information, amino acid conservation, physicochemical variation, residue mobility, and thermodynamic stability) performed at Invitae indicates that this missense variant is not expected to disrupt KCNQ2 protein function. ClinVar contains an entry for this variant (Variation ID: 1495245). This variant has not been reported in the literature in individuals affected with KCNQ2-related conditions. This sequence change replaces histidine, which is basic and polar, with arginine, which is basic and polar, at codon 357 of the KCNQ2 protein (p.His357Arg).